The following is an entry in ClinVar:

NM_007046.4(EMILIN1):c.2557+10C>T

Gene: EMILIN1 (elastin microfibril interfacer 1; plus strand). Cytogenetic location: 2p23.3.
Variant type: single nucleotide variant.
Coding change: c.2557+10C>T on transcript NM_007046.4 (MANE Select); 10 bases into the intron after coding-DNA position 2557, C replaced by T.
Molecular consequence: intron variant.
Genome position (GRCh38, 1-based): chr2:27,084,541, C>T. VCF-style: chr2-27084541-C-T. GRCh37 (hg19) VCF-style: chr2-27307409-C-T.
Identifiers: ClinVar variation 4988760 (VCV004988760.1).
Genomic context (GRCh38, chr2:27,084,541, plus strand): 5'-CTCCAGGATCACCAGGCAAGGACGGGCAAGAGGGCCCCATCGGGCCACCAGGTATGTGCA[C>T]TGAGACCCTTGCTGCAGTCAGGGTTGCCACTGCCCCCTCCAACCCTGACCCCCGCTGGCA-3'

ClinVar aggregate classification (germline): Likely benign (1 of 4 stars; one submission).

Conditions:
EMILIN1-related disorder. Also called: EMILIN1-related condition.

Submission:

PreventionGenetics, part of Exact Sciences
Classification: Likely benign for EMILIN1-related condition. Last evaluated: 2026-02-13. Review status: criteria provided, single submitter. Criteria: ACMG Guidelines, 2015. Collection method: clinical testing. Allele origin: germline.
Comment: This variant is classified as likely benign based on ACMG/AMP sequence variant interpretation guidelines (Richards et al. 2015 PMID: 25741868, with internal and published modifications).